The following is an entry in ClinVar:

NM_020401.4(NUP107):c.219G>C (p.Gln73His)

Gene: NUP107 (nucleoporin 107; plus strand). Cytogenetic location: 12q15.
Variant type: single nucleotide variant.
Coding change: c.219G>C on transcript NM_020401.4 (MANE Select); coding-DNA position 219, G replaced by C.
Protein change: p.Gln73His; replaces glutamine 73 with histidine.
Molecular consequence: missense variant.
Genome position (GRCh38, 1-based): chr12:68,690,662, G>C. VCF-style: chr12-68690662-G-C. GRCh37 (hg19) VCF-style: chr12-69084442-G-C.
Other names: c.132G>C, p.Gln44His (NM_001330192.2); c.219G>C (NM_020401.2); short protein forms Q44H, Q73H.
Identifiers: ClinVar variation 2077024 (VCV002077024.5), dbSNP rs2499213337, ClinGen allele CA385696102.

ClinVar aggregate classification (germline): Conflicting classifications of pathogenicity. Review status: criteria provided, conflicting classifications (1 of 4 stars). 2 submissions from 2 submitters: Uncertain significance (1); Likely benign (1). Last evaluated 2025-08-25.

Conditions:
Inborn genetic diseases. Identifiers: MedGen C0950123, MeSH D030342.

Allele frequency attached by ClinVar (database versions not stated): gnomAD exomes below 0.00001.

Submissions (2):

Ambry Genetics
Classification: Likely benign for Inborn genetic diseases. Last evaluated: 2025-08-25. Review status: criteria provided, single submitter. Criteria: Ambry Variant Classification Scheme 2023. Collection method: clinical testing. Allele origin: germline.

Labcorp Genetics (formerly Invitae), Labcorp
Classification: Uncertain significance. Last evaluated: 2022-06-22. Review status: criteria provided, single submitter. Criteria: Invitae Variant Classification Sherloc (09022015). Collection method: clinical testing. Allele origin: germline.
Comment: Algorithms developed to predict the effect of missense changes on protein structure and function output the following: SIFT: "Not Available"; PolyPhen-2: "Benign"; Align-GVGD: "Not Available". The histidine amino acid residue is found in multiple mammalian species, which suggests that this missense change does not adversely affect protein function. In summary, the available evidence is currently insufficient to determine the role of this variant in disease. Therefore, it has been classified as a Variant of Uncertain Significance. This variant has not been reported in the literature in individuals affected with NUP107-related conditions. This sequence change replaces glutamine, which is neutral and polar, with histidine, which is basic and polar, at codon 73 of the NUP107 protein (p.Gln73His). This variant is not present in population databases (gnomAD no frequency).